The following is an entry in ClinVar:

ClinVar aggregate classification (germline): Likely benign (1 of 4 stars; one submission).

Submission:

CeGaT Center for Human Genetics Tuebingen
Classification: Likely benign. Last evaluated: 2026-07-01. Review status: criteria provided, single submitter. Criteria: CeGaT Center For Human Genetics Tuebingen Variant Classification Criteria Version 2. Collection method: clinical testing. Allele origin: germline. Affected: yes. Observed: 1 variant allele.
Comment: DHX9: PM4:Supporting, BS1

NM_001357.5(DHX9):c.308_310del (p.Gly103del)

Gene: DHX9 (DExH-box helicase 9; plus strand). Cytogenetic location: 1q25.3.
Variant type: Deletion.
Coding change: c.308_310del on transcript NM_001357.5 (MANE Select); coding-DNA positions 308 to 310, 3 bases deleted (GAG; older notation c.308_310delGAG).
Protein change: p.Gly103del; deletes glycine 103.
Molecular consequence: non-coding transcript variant (on NR_033302.2).
Genome position (GRCh38, 1-based): chr1:182,852,288-182,852,290, GAG deleted; deleting any 3 consecutive bases within chr1:182,852,286-182,852,290 gives the same sequence; the c. name uses the placement nearest the transcript's 3' end. VCF-style (leftmost placement, unchanged base first): chr1-182852285-AAGG-A. GRCh37 (hg19) VCF-style: chr1-182821420-AAGG-A.
Other names: short protein forms G103del.
Identifiers: ClinVar variation 5038891 (VCV005038891.1).